The following is an entry in ClinVar:

NM_016335.6(PRODH):c.746A>G (p.Glu249Gly)

Gene: PRODH (proline dehydrogenase 1; minus strand). Cytogenetic location: 22q11.21.
Variant type: single nucleotide variant.
Coding change: c.746A>G on transcript NM_016335.6 (MANE Select); coding-DNA position 746, A replaced by G.
Protein change: p.Glu249Gly; replaces glutamic acid 249 with glycine.
Molecular consequence: missense variant.
Genome position (GRCh38, 1-based): chr22:18,922,920, T>C on the plus strand (A>G on the coding strand, the complement: PRODH is on the minus strand). VCF-style: chr22-18922920-T-C. GRCh37 (hg19) VCF-style: chr22-18910433-T-C.
Other names: c.422A>G, p.Glu141Gly (NM_001195226.2, NM_001368250.2); short protein forms E141G, E249G.
Identifiers: ClinVar variation 4744450 (VCV004744450.1).

ClinVar aggregate classification (germline): Uncertain significance (1 of 4 stars; one submission).

Conditions:
Proline dehydrogenase deficiency (HYRPRO1). Also called: PROLINE OXIDASE DEFICIENCY; Hyperprolinemia type 1. Identifiers: Orphanet 419, MedGen C0268529, MONDO:0009400, OMIM 239500.

Submission:

Labcorp Genetics (formerly Invitae), Labcorp
Classification: Uncertain significance for Proline dehydrogenase deficiency. Last evaluated: 2025-07-20. Review status: criteria provided, single submitter. Criteria: Invitae Variant Classification Sherloc (09022015). Collection method: clinical testing. Allele origin: germline.
Comment: This sequence change replaces glutamic acid, which is acidic and polar, with glycine, which is neutral and non-polar, at codon 249 of the PRODH protein (p.Glu249Gly). This variant is not present in population databases (gnomAD no frequency). This variant has not been reported in the literature in individuals affected with PRODH-related conditions. Invitae Evidence Modeling of protein sequence and biophysical properties (such as structural, functional, and spatial information, amino acid conservation, physicochemical variation, residue mobility, and thermodynamic stability) has been performed for this missense variant. However, the output from this modeling did not meet the statistical confidence thresholds required to predict the impact of this variant on PRODH protein function. In summary, the available evidence is currently insufficient to determine the role of this variant in disease. Therefore, it has been classified as a Variant of Uncertain Significance.